The following is an entry in ClinVar:

NM_173689.7(CRB2):c.3182C>T (p.Ala1061Val)

Gene: CRB2 (crumbs cell polarity complex component 2; plus strand). Cytogenetic location: 9q33.3.
Variant type: single nucleotide variant.
Coding change: c.3182C>T on transcript NM_173689.7 (MANE Select); coding-DNA position 3182, C replaced by T.
Protein change: p.Ala1061Val; replaces alanine 1061 with valine.
Molecular consequence: missense variant. On other transcripts: non-coding transcript variant (1).
Genome position (GRCh38, 1-based): chr9:123,373,713, C>T. VCF-style: chr9-123373713-C-T. GRCh37 (hg19) VCF-style: chr9-126135992-C-T.
Other names: p.Ala1061Val; short protein forms A1061V.
Identifiers: ClinVar variation 4541471 (VCV004541471.1).

ClinVar aggregate classification (germline): Uncertain significance (1 of 4 stars; one submission).

gnomAD v4.1: 8 of 1,521,936 alleles (0.00053%); highest among the groups gnomAD compares: African/African-American, 0.0043%; no homozygotes.

Submission:

Mayo Clinic Laboratories, Mayo Clinic
Classification: Uncertain significance. Last evaluated: 2025-09-30. Review status: criteria provided, single submitter. Criteria: ACMG Guidelines, 2015. Collection method: clinical testing. Allele origin: germline. Observed: 1 variant allele.
Comment: BP4_moderate, PM2_supporting